The following is an entry in ClinVar:

NM_001367721.1(CASK):c.356+1G>C

Gene: CASK (calcium/calmodulin dependent serine protein kinase; minus strand). Cytogenetic location: Xp11.4.
Variant type: single nucleotide variant.
Coding change: c.356+1G>C on transcript NM_001367721.1 (MANE Select); the canonical splice donor site of the intron after coding-DNA position 356, G replaced by C.
Molecular consequence: splice donor variant.
Genome position (GRCh38, 1-based): chrX:41,745,523, C>G on the plus strand (G>C on the coding strand, the complement: CASK is on the minus strand). VCF-style: chrX-41745523-C-G. GRCh37 (hg19) VCF-style: chrX-41604776-C-G.
Other names: c.356+1G>C (NM_001126055.3, NM_001410745.1, NM_001126054.3 and 1 more transcripts).
Identifiers: ClinVar variation 4879780 (VCV004879780.1).

ClinVar aggregate classification (germline): Pathogenic (1 of 4 stars; one submission).

Conditions:
Syndromic X-linked intellectual disability Najm type (MICPCH). Also called: Mental retardation and microcephaly with pontine and cerebellar hypoplasia; MENTAL RETARDATION, X-LINKED, SYNDROMIC, NAJM TYPE; MICPCH SYNDROME; Intellectual developmental disorder and microcephaly with pontine and cerebellar hypoplasia; Intellectual Disability and Microcephaly with Pontine and Cerebellar Hypoplasia; Intellectual Disability and Microcephaly with Pontine and Cerebellar Hypoplasia (MICPCH). Identifiers: Orphanet 163937, MedGen C2677903, MONDO:0010417, OMIM 300749.

Submission:

Victorian Clinical Genetics Services, Murdoch Childrens Research Institute
Classification: Pathogenic for Syndromic X-linked intellectual disability Najm type. Last evaluated: 2026-03-27. Review status: criteria provided, single submitter. Criteria: ACMG Guidelines, 2015. Collection method: clinical testing. Allele origin: germline. Affected: yes.
Comment: This variant is classified as Pathogenic. Evidence in support of pathogenic classification: Canonical splice site variant without proven consequence on splicing (no functional evidence available); Variant is absent from gnomAD (v2, v3 and v4); Another canonical splice site variant comparable to the one identified in this case has limited previous evidence for pathogenicity. The c.356+1G>T variant has been classified as likely pathogenic by a clinical laboratory in ClinVar; Abnormal splicing is predicted by in silico tool and affected nucleotide is highly conserved; Additional information: This variant is heterozygous; This gene is associated with X-linked disease; This variant has no previous evidence of pathogenicity. This variant has been reported as de novo in DECIPHER, however no phenotype information was provided; No published evidence of segregation with disease has been identified for this variant; No published functional evidence has been identified for this variant; Loss of function is a known mechanism of disease in this gene and is associated with intellectual developmental disorder and microcephaly with pontine and cerebellar hypoplasia (MIM#300749), intellectual disability disorder with or without nystagmus (MIM#300422), and FG syndrome 4 (MIM#300422).